The following is an entry in ClinVar:

NM_000282.4(PCCA):c.286G>A (p.Val96Ile)

Gene: PCCA (propionyl-CoA carboxylase subunit alpha; plus strand). Cytogenetic location: 13q32.3.
Variant type: single nucleotide variant.
Coding change: c.286G>A on transcript NM_000282.4 (MANE Select); coding-DNA position 286, G replaced by A.
Protein change: p.Val96Ile; replaces valine 96 with isoleucine.
Molecular consequence: missense variant. On other transcripts: 5 prime UTR variant (3), non-coding transcript variant (5).
Genome position (GRCh38, 1-based): chr13:100,112,047, G>A. VCF-style: chr13-100112047-G-A. GRCh37 (hg19) VCF-style: chr13-100764301-G-A.
Other names: c.286G>A, p.Val96Ile (NM_001352609.2, NM_001352606.2, NM_001178004.2 and 1 more transcripts); c.-581G>A (NM_001352610.2, NM_001352611.2, NM_001352612.2); c.208G>A, p.Val70Ile (NM_001352607.2, NM_001352608.2, NM_001127692.3); short protein forms V70I, V96I.
Identifiers: ClinVar variation 1955947 (VCV001955947.2), dbSNP rs1041556430, ClinGen allele CA255965897.

ClinVar aggregate classification (germline): Uncertain significance (1 of 4 stars; one submission).

Conditions:
Propionic acidemia (PROP). Also called: GLYCINEMIA, KETOTIC; HYPERGLYCINEMIA WITH KETOACIDOSIS AND LEUKOPENIA; KETOTIC HYPERGLYCINEMIA. Identifiers: Orphanet 35, MedGen C0268579, MONDO:0011628, OMIM 606054, HP:0003571.

Allele frequency attached by ClinVar (database versions not stated): gnomAD exomes below 0.00001; TOPMed below 0.00001.
gnomAD v4.1: 1 of 1,609,616 alleles (0.000062%); highest among the groups gnomAD compares: Admixed American, 0.0017%; no homozygotes.

Submission:

Labcorp Genetics (formerly Invitae), Labcorp
Classification: Uncertain significance for Propionic acidemia. Last evaluated: 2022-03-25. Review status: criteria provided, single submitter. Criteria: Invitae Variant Classification Sherloc (09022015). Collection method: clinical testing. Allele origin: germline.
Comment: This sequence change replaces valine, which is neutral and non-polar, with isoleucine, which is neutral and non-polar, at codon 96 of the PCCA protein (p.Val96Ile). This variant is present in population databases (no rsID available, gnomAD 0.003%). This variant has not been reported in the literature in individuals affected with PCCA-related conditions. Algorithms developed to predict the effect of missense changes on protein structure and function are either unavailable or do not agree on the potential impact of this missense change (SIFT: "Deleterious"; PolyPhen-2: "Benign"; Align-GVGD: "Class C0"). In summary, the available evidence is currently insufficient to determine the role of this variant in disease. Therefore, it has been classified as a Variant of Uncertain Significance.